The following is an entry in ClinVar:

NM_033453.4(ITPA):c.396C>T (p.Phe132=)

Genes: ITPA (inosine triphosphatase; plus strand), LOC130065322 (ATAC-STARR-seq lymphoblastoid silent region 12615; plus strand). Cytogenetic location: 20p13.
Variant type: single nucleotide variant.
Coding change: c.396C>T on transcript NM_033453.4 (MANE Select); coding-DNA position 396, C replaced by T.
Protein change: p.Phe132=; no amino-acid change (phenylalanine 132 retained).
Molecular consequence: synonymous variant. On other transcripts: missense variant (4), non-coding transcript variant (2).
Genome position (GRCh38, 1-based): chr20:3,218,617, C>T. VCF-style: chr20-3218617-C-T. GRCh37 (hg19) VCF-style: chr20-3199263-C-T.
Other names: c.273C>T, p.Phe91= (NM_001267623.2); c.59C>T, p.Ser20Leu (NM_001324236.2, NM_001324237.2, NM_001324238.2 and 1 more transcripts); c.396C>T, p.Phe132= (NM_001324240.2, NM_001424408.1); c.522C>T, p.Phe174= (NM_001424409.1); c.345C>T, p.Phe115= (NM_181493.4); short protein forms S20L.
Identifiers: ClinVar variation 2802405 (VCV002802405.20), dbSNP rs756108585, ClinGen allele CA9741285.
Genomic context (GRCh38, chr20:3,218,617, plus strand): 5'-CTATGCGCTCTGCACGTTTGCACTCAGCACCGGGGACCCAAGCCAGCCCGTGCGCCTGTT[C>T]AGGGGCCGGACCTCGGTGCGTACCCACCTTGATGCAGTTCCCGCCGCGCGCCGCCAGGGG-3'
Protein context (NP_258412.1, residues 122-142): TGDPSQPVRL[Phe132=]RGRTSGRIVA

ClinVar aggregate classification (germline): Likely benign. Review status: criteria provided, multiple submitters, no conflicts (2 of 4 stars). 2 submissions from 2 submitters: Likely benign (2). Last evaluated 2026-01-14.

Conditions:
Inosine triphosphatase deficiency. Also called: INOSINE TRIPHOSPHATE PYROPHOSPHOHYDROLASE DEFICIENCY. Identifiers: MedGen C0342800, MONDO:0013461, OMIM 613850.

Allele frequency attached by ClinVar (database versions not stated): ExAC 0.00001.
gnomAD v4.1: 8 of 1,613,048 alleles (0.0005%); highest among the groups gnomAD compares: East Asian, 0.0022%; no homozygotes.

Submissions (2):

Labcorp Genetics (formerly Invitae), Labcorp
Classification: Likely benign for Inosine triphosphatase deficiency. Last evaluated: 2026-01-14. Review status: criteria provided, single submitter. Criteria: Invitae Variant Classification Sherloc (09022015). Collection method: clinical testing. Allele origin: germline.

CeGaT Center for Human Genetics Tuebingen
Classification: Likely benign. Last evaluated: 2024-07-01. Review status: criteria provided, single submitter. Criteria: CeGaT Center For Human Genetics Tuebingen Variant Classification Criteria Version 2. Collection method: clinical testing. Allele origin: germline. Affected: yes. Observed: 1 variant allele.
Comment: ITPA: BP4, BP7